The following is an entry in ClinVar:

ClinVar aggregate classification (germline): Benign (0 of 4 stars; one submission).

Conditions:
HMGA2-related disorder. Also called: HMGA2-related condition.

Allele frequency attached by ClinVar (database versions not stated): TOPMed 0.00287; 1000 Genomes Project 0.00399; 1000 Genomes Project 30x 0.00437.
gnomAD v4.1: 683 of 1,534,460 alleles (0.045%); highest among the groups gnomAD compares: African/African-American, 0.79%; 5 homozygotes.

Submission:

PreventionGenetics, part of Exact Sciences
Classification: Benign for HMGA2-related condition. Last evaluated: 2019-05-23. Review status: no assertion criteria provided. Collection method: clinical testing. Allele origin: germline.
Comment: This variant is classified as benign based on ACMG/AMP sequence variant interpretation guidelines (Richards et al. 2015 PMID: 25741868, with internal and published modifications).

NM_003483.6(HMGA2):c.282+1012T>C

Gene: HMGA2 (high mobility group AT-hook 2; plus strand). Cytogenetic location: 12q14.3.
Variant type: single nucleotide variant.
Coding change: c.282+1012T>C on transcript NM_003483.6 (MANE Select); 1012 bases into the intron after coding-DNA position 282, T replaced by C.
Molecular consequence: intron variant. On other transcripts: synonymous variant (1).
Genome position (GRCh38, 1-based): chr12:65,952,427, T>C. VCF-style: chr12-65952427-T-C. GRCh37 (hg19) VCF-style: chr12-66346207-T-C.
Other names: c.354T>C, p.Thr118= (NM_001300918.1).
Identifiers: ClinVar variation 3055904 (VCV003055904.2), dbSNP rs74097833, ClinGen allele CA238995106.
Genomic context (GRCh38, chr12:65,952,427, plus strand): 5'-CTTGCCTGGGAAGGACCACCCGGGCAATCTTATATATCTACTGTTCTCTAAAAATGCCAC[T>C]TAGAAGAGAATTGAAACTTCCAAACACATGAAAGGATCCAAGGAAAGTGTCTTCAAACAA-3'